The following is an entry in ClinVar:

ClinVar aggregate classification (germline): Uncertain significance (1 of 4 stars; one submission).

Conditions:
Ataxia-telangiectasia syndrome (AT). Also called: Ataxia-telangiectasia, complementation group D; AT, COMPLEMENTATION GROUP C; ATAXIA-TELANGIECTASIA, COMPLEMENTATION GROUP A; ATAXIA-TELANGIECTASIA, FRESNO VARIANT; Ataxia-telangiectasia; Ataxia-telangiectasia, complementation group E. Identifiers: Orphanet 100, MedGen C0004135, MONDO:0008840, OMIM 208900.

Submission:

Labcorp Genetics (formerly Invitae), Labcorp
Classification: Uncertain significance for Ataxia-telangiectasia syndrome. Last evaluated: 2024-03-28. Review status: criteria provided, single submitter. Criteria: Invitae Variant Classification Sherloc (09022015). Collection method: clinical testing. Allele origin: germline.
Comment: This sequence change falls in intron 53 of the ATM gene. It does not directly change the encoded amino acid sequence of the ATM protein. This variant is not present in population databases (gnomAD no frequency). This variant has not been reported in the literature in individuals affected with ATM-related conditions. Algorithms developed to predict the effect of sequence changes on RNA splicing suggest that this variant may disrupt the consensus splice site. In summary, the available evidence is currently insufficient to determine the role of this variant in disease. Therefore, it has been classified as a Variant of Uncertain Significance.

NM_000051.4(ATM):c.7928-17_7928-15del

Genes: ATM (ATM serine/threonine kinase; plus strand), C11orf65 (chromosome 11 open reading frame 65; minus strand). Cytogenetic location: 11q22.3.
Variant type: Deletion.
Coding change: c.7928-17_7928-15del on transcript NM_000051.4 (MANE Select); 17 bases into the intron before coding-DNA position 7928 through 15 bases into the intron before coding-DNA position 7928, 3 bases deleted (TTC; older notation c.7928-17_7928-15delTTC).
Molecular consequence: intron variant.
Genome position (GRCh38, 1-based): chr11:108,333,869-108,333,871, TTC deleted; deleting any 3 consecutive bases within chr11:108,333,867-108,333,871 gives the same sequence; the c. name uses the placement nearest the transcript's 3' end. VCF-style (leftmost placement, unchanged base first): chr11-108333866-CTCT-C. GRCh37 (hg19) VCF-style: chr11-108204593-CTCT-C.
Other names: c.7928-17_7928-15del (NM_001351834.2); c.641-24798_641-24796del (NM_001330368.2); c.*38+1351_*38+1353del (NM_001351110.2).
Identifiers: ClinVar variation 3693699 (VCV003693699.2).
Genomic context (GRCh38, chr11:108,333,866, plus strand): 5'-GGTATCTGCTGACTATTCCTGCTTGACCTTCAATGCTGTTCCTCAGTTTGTCACTAAAAT[CTCT>C]TCATTTTTAAATACAGAAGGCATAAATATTCCAGCAGACCAGCCAATTACTAAACTTAAG-3'